The following is an entry in ClinVar:

ClinVar aggregate classification (germline): Uncertain significance (1 of 4 stars; one submission).

Submission:

Labcorp Genetics (formerly Invitae), Labcorp
Classification: Uncertain significance. Last evaluated: 2021-12-18. Review status: criteria provided, single submitter. Criteria: Invitae Variant Classification Sherloc (09022015). Collection method: clinical testing. Allele origin: germline.
Comment: This variant has not been reported in the literature in individuals affected with CSF2RB-related conditions. In summary, the available evidence is currently insufficient to determine the role of this variant in disease. Therefore, it has been classified as a Variant of Uncertain Significance. Algorithms developed to predict the effect of missense changes on protein structure and function are either unavailable or do not agree on the potential impact of this missense change (SIFT: "Deleterious"; PolyPhen-2: "Probably Damaging"; Align-GVGD: "Class C0"). This variant is not present in population databases (gnomAD no frequency). This sequence change replaces proline, which is neutral and non-polar, with alanine, which is neutral and non-polar, at codon 869 of the CSF2RB protein (p.Pro869Ala).

NM_000395.3(CSF2RB):c.2605C>G (p.Pro869Ala)

Gene: CSF2RB (colony stimulating factor 2 receptor subunit beta; plus strand). Cytogenetic location: 22q12.3.
Variant type: single nucleotide variant.
Coding change: c.2605C>G on transcript NM_000395.3 (MANE Select); coding-DNA position 2605, C replaced by G.
Protein change: p.Pro869Ala; replaces proline 869 with alanine.
Molecular consequence: missense variant.
Genome position (GRCh38, 1-based): chr22:36,938,413, C>G. VCF-style: chr22-36938413-C-G. GRCh37 (hg19) VCF-style: chr22-37334455-C-G.
Other names: c.2623C>G, p.Pro875Ala (NM_001410827.1); short protein forms P869A, P875A.
Identifiers: ClinVar variation 2046516 (VCV002046516.4), dbSNP rs1385030870, ClinGen allele CA411411831.
Genomic context (GRCh38, chr22:36,938,413, plus strand): 5'-AAGAACCTAGACCAGGCTTTTCAAGTCAAGAAGCCCCCAGGCCAGGCTGTGCCCCAGGTG[C>G]CCGTCATTCAGCTCTTCAAAGCCCTGAAGCAGCAGGACTACCTGTCTCTGCCCCCTTGGG-3'
Protein context (NP_000386.1, residues 859-879): KPPGQAVPQV[Pro869Ala]VIQLFKALKQ